The following is an entry in ClinVar:

ClinVar aggregate classification (germline): Uncertain significance (1 of 4 stars; one submission).

Conditions:
Immunodeficiency 35 (IMD35). Also called: HIES WITH ATYPICAL MYCOBACTERIOSIS, AUTOSOMAL RECESSIVE; HYPER-IgE SYNDROME WITH ATYPICAL MYCOBACTERIOSIS, AUTOSOMAL RECESSIVE; Susceptibility to infection due to TYK2 deficiency; TYK2 DEFICIENCY. Identifiers: Orphanet 331226, MedGen C1969086, MONDO:0012682, OMIM 611521.

Allele frequency attached by ClinVar (database versions not stated): gnomAD exomes below 0.00001.
gnomAD v4.1: 1 of 1,614,154 alleles (0.000062%); no homozygotes.

Submission:

Labcorp Genetics (formerly Invitae), Labcorp
Classification: Uncertain significance for Immunodeficiency 35. Last evaluated: 2022-10-17. Review status: criteria provided, single submitter. Criteria: Invitae Variant Classification Sherloc (09022015). Collection method: clinical testing. Allele origin: germline.
Comment: ClinVar contains an entry for this variant (Variation ID: 1438729). Advanced modeling of protein sequence and biophysical properties (such as structural, functional, and spatial information, amino acid conservation, physicochemical variation, residue mobility, and thermodynamic stability) performed at Invitae indicates that this missense variant is not expected to disrupt TYK2 protein function. In summary, the available evidence is currently insufficient to determine the role of this variant in disease. Therefore, it has been classified as a Variant of Uncertain Significance. This variant is present in population databases (no rsID available, gnomAD no frequency). This sequence change replaces glutamic acid, which is acidic and polar, with glycine, which is neutral and non-polar, at codon 1129 of the TYK2 protein (p.Glu1129Gly). This variant has not been reported in the literature in individuals affected with TYK2-related conditions.

NM_003331.5(TYK2):c.3386A>G (p.Glu1129Gly)

Gene: TYK2 (tyrosine kinase 2; minus strand). Cytogenetic location: 19p13.2.
Variant type: single nucleotide variant.
Coding change: c.3386A>G on transcript NM_003331.5 (MANE Select); coding-DNA position 3386, A replaced by G.
Protein change: p.Glu1129Gly; replaces glutamic acid 1129 with glycine.
Molecular consequence: missense variant. On other transcripts: intron variant (1).
Genome position (GRCh38, 1-based): chr19:10,351,095, T>C on the plus strand (A>G on the coding strand, the complement: TYK2 is on the minus strand). VCF-style: chr19-10351095-T-C. GRCh37 (hg19) VCF-style: chr19-10461771-T-C.
Other names: c.3236A>G, p.Glu1079Gly (NM_001385198.1); c.3200A>G, p.Glu1067Gly (NM_001385199.1); c.3383A>G, p.Glu1128Gly (NM_001385200.1); c.3188A>G, p.Glu1063Gly (NM_001385201.1); c.3302A>G, p.Glu1101Gly (NM_001385202.1); c.3467A>G, p.Glu1156Gly (NM_001385203.1); c.3596A>G, p.Glu1199Gly (NM_001385204.1); c.3296A>G, p.Glu1099Gly (NM_001385205.1); and 3 more; short protein forms E1123G, E1128G, E1129G, E1156G, E1199G, E1067G, E1099G, E1101G.
Identifiers: ClinVar variation 1438729 (VCV001438729.8), dbSNP rs1298150782, ClinGen allele CA403980425.